The following is an entry in ClinVar:

NM_002890.3(RASA1):c.2012-2A>G

Genes: CCNH (cyclin H; minus strand), RASA1 (RAS p21 protein activator 1; plus strand). Cytogenetic location: 5q14.3.
Variant type: single nucleotide variant.
Coding change: c.2012-2A>G on transcript NM_002890.3 (MANE Select); the canonical splice acceptor site of the intron before coding-DNA position 2012, A replaced by G.
Molecular consequence: splice acceptor variant. On other transcripts: intron variant (1).
Genome position (GRCh38, 1-based): chr5:87,376,391, A>G. VCF-style: chr5-87376391-A-G. GRCh37 (hg19) VCF-style: chr5-86672208-A-G.
Other names: c.1481-2A>G (NM_022650.3); c.933+18653T>C (NM_001364075.2).
Identifiers: ClinVar variation 1691329 (VCV001691329.7), dbSNP rs2112490719, ClinGen allele CA360377873.

ClinVar aggregate classification (germline): Pathogenic/Likely pathogenic. Review status: criteria provided, multiple submitters, no conflicts (2 of 4 stars). 2 submissions from 2 submitters: Pathogenic (1); Likely pathogenic (1). Last evaluated 2022-06-08.

Conditions:
Capillary malformation-arteriovenous malformation syndrome. Also called: Capillary malformation-arteriovenous malformation. Identifiers: Orphanet 137667, MedGen C1842180, MONDO:0012016.

Submissions (2):

Labcorp Genetics (formerly Invitae), Labcorp
Classification: Likely pathogenic for Capillary malformation-arteriovenous malformation syndrome. Last evaluated: 2022-06-08. Review status: criteria provided, single submitter. Criteria: Invitae Variant Classification Sherloc (09022015). Collection method: clinical testing. Allele origin: germline.
Comment: In summary, the currently available evidence indicates that the variant is pathogenic, but additional data are needed to prove that conclusively. Therefore, this variant has been classified as Likely Pathogenic. Algorithms developed to predict the effect of sequence changes on RNA splicing suggest that this variant may disrupt the consensus splice site. This variant has not been reported in the literature in individuals affected with RASA1-related conditions. This variant is not present in population databases (gnomAD no frequency). This sequence change affects an acceptor splice site in intron 15 of the RASA1 gene. It is expected to disrupt RNA splicing. Variants that disrupt the donor or acceptor splice site typically lead to a loss of protein function (PMID: 16199547), and loss-of-function variants in RASA1 are known to be pathogenic (PMID: 24038909).

Seattle Children's Hospital Molecular Genetics Laboratory, Seattle Children's Hospital
Classification: Pathogenic. Last evaluated: 2020-12-10. Review status: criteria provided, single submitter. Criteria: ACMG Guidelines, 2015. Collection method: clinical testing. Allele origin: germline. Affected: yes.
Comment: The c.2012-2A>G single nucleotide substitution is predicted to disrupt RNA splicing and likely results in an absent or disrupted protein product.

Literature cited by the submitters: PubMed 16199547 (cited by Labcorp Genetics (formerly Invitae), Labcorp); PubMed 24038909 (cited by Labcorp Genetics (formerly Invitae), Labcorp).